The following is an entry in ClinVar:

NM_006086.4(TUBB3):c.330G>A (p.Ala110=)

Gene: TUBB3 (tubulin beta 3 class III; plus strand). Cytogenetic location: 16q24.3.
Variant type: single nucleotide variant.
Coding change: c.330G>A on transcript NM_006086.4 (MANE Select); coding-DNA position 330, G replaced by A.
Protein change: p.Ala110=; no amino-acid change (alanine 110 retained).
Molecular consequence: synonymous variant.
Genome position (GRCh38, 1-based): chr16:89,934,781, G>A. VCF-style: chr16-89934781-G-A. GRCh37 (hg19) VCF-style: chr16-90001189-G-A.
Other names: c.114G>A, p.Ala38= (NM_001197181.2).
Identifiers: ClinVar variation 1302761 (VCV001302761.18), dbSNP rs535819460, ClinGen allele CA8256097.
Genomic context (GRCh38, chr16:89,934,781, plus strand): 5'-CTGTACAGGTCAGAGTGGGGCCGGCAACAACTGGGCCAAGGGTCACTACACGGAGGGGGC[G>A]GAGCTGGTGGATTCGGTCCTGGATGTGGTGCGGAAGGAGTGTGAAAACTGCGACTGCCTG-3'
Protein context (NP_006077.2, residues 100-120): NWAKGHYTEG[Ala110=]ELVDSVLDVV

ClinVar aggregate classification (germline): Benign/Likely benign. Review status: criteria provided, multiple submitters, no conflicts (2 of 4 stars). 6 submissions from 6 submitters: Benign (3); Likely benign (2). 1 of the submissions does not count toward it. Last evaluated 2025-10-27.

Conditions:
TUBB3-related disorder. Also called: TUBB3-related condition; TUBB3-related disorders.

Allele frequency attached by ClinVar (database versions not stated): gnomAD 0.00003 and 0.00010; TOPMed 0.00009; 1000 Genomes Project 30x 0.00016; 1000 Genomes Project 0.00020; gnomAD exomes 0.00032; ExAC 0.00037.

Submissions (6):

Women's Health and Genetics/Laboratory Corporation of America, LabCorp
Classification: Benign. Last evaluated: 2025-10-27. Review status: criteria provided, single submitter. Criteria: LabCorp Variant Classification Summary - May 2015. Collection method: clinical testing. Allele origin: germline.

Labcorp Genetics (formerly Invitae), Labcorp
Classification: Benign. Last evaluated: 2025-09-08. Review status: criteria provided, single submitter. Criteria: Invitae Variant Classification Sherloc (09022015). Collection method: clinical testing. Allele origin: germline.

CeGaT Center for Human Genetics Tuebingen
Classification: Likely benign. Last evaluated: 2025-07-01. Review status: criteria provided, single submitter. Criteria: CeGaT Center For Human Genetics Tuebingen Variant Classification Criteria Version 2. Collection method: clinical testing. Allele origin: germline. Affected: yes. Observed: 1 variant allele.
Comment: TUBB3: BP4, BP7

Blueprint Genetics
Classification: Likely benign. Last evaluated: 2024-09-21. Review status: criteria provided, single submitter. Criteria: ACMG Guidelines, 2015. Collection method: clinical testing. Allele origin: germline.

GeneDx
Classification: Benign. Last evaluated: 2021-07-07. Review status: criteria provided, single submitter. Criteria: GeneDx Variant Classification Process June 2021. Collection method: clinical testing. Allele origin: germline. Affected: yes.

PreventionGenetics, part of Exact Sciences
Classification: Likely benign for TUBB3-related condition. Last evaluated: 2019-06-17. Review status: no assertion criteria provided. Collection method: clinical testing. Allele origin: germline. Not counted in ClinVar's aggregate classification.
Comment: This variant is classified as likely benign based on ACMG/AMP sequence variant interpretation guidelines (Richards et al. 2015 PMID: 25741868, with internal and published modifications).